The following is an entry in ClinVar:

ClinVar aggregate classification (germline): Pathogenic (1 of 4 stars; one submission).

Conditions:
Early-infantile DEE. Also called: Ohtahara syndrome; Early infantile epileptic encephalopathy with suppression bursts; Early infantile epileptic encephalopathy. Identifiers: Orphanet 1934, MedGen C0393706, MONDO:0800491.

Submission:

Labcorp Genetics (formerly Invitae), Labcorp
Classification: Pathogenic for Early-infantile DEE. Last evaluated: 2021-03-24. Review status: criteria provided, single submitter. Criteria: Invitae Variant Classification Sherloc (09022015). Collection method: clinical testing. Allele origin: germline.
Comment: For these reasons, this variant has been classified as Pathogenic. This variant has not been reported in the literature in individuals with SPTAN1-related conditions. ClinVar contains an entry for this variant (Variation ID: 843512). This variant is not present in population databases (ExAC no frequency). This sequence change creates a premature translational stop signal (p.Lys1093Asnfs*22) in the SPTAN1 gene. It is expected to result in an absent or disrupted protein product. Loss-of-function variants in SPTAN1 are known to be pathogenic (PMID: 31332438, 33206935).

Literature cited by the submitters: PubMed 31332438; PubMed 33206935.

NM_001130438.3(SPTAN1):c.3279del (p.Lys1093fs)

Gene: SPTAN1 (spectrin alpha, non-erythrocytic 1; plus strand). Cytogenetic location: 9q34.11.
Variant type: Deletion.
Coding change: c.3279del on transcript NM_001130438.3 (MANE Select); coding-DNA position 3279, one base deleted (G; older notation c.3279delG).
Protein change: p.Lys1093fs; shifts the reading frame from lysine 1093.
Molecular consequence: frameshift variant.
Genome position (GRCh38, 1-based): chr9:128,594,238, G deleted. VCF-style (leftmost placement, unchanged base first): chr9-128594237-AG-A. GRCh37 (hg19) VCF-style: chr9-131356516-AG-A.
Other names: c.3219del, p.Lys1073fs (NM_001195532.2, NM_001363765.2, NM_001375314.2); c.3279del, p.Lys1093fs (NM_001363759.2, NM_001375310.1, NM_001375311.2 and 2 more transcripts); c.3315del, p.Lys1105fs (NM_001375312.2, NM_001375318.1); short protein forms K1093fs, K1105fs, K1073fs.
Identifiers: ClinVar variation 843512 (VCV000843512.9), dbSNP rs1853919580, ClinGen allele CA916083071.